The following is an entry in ClinVar:

NM_000478.6(ALPL):c.880G>A (p.Asp294Asn)

Gene: ALPL (alkaline phosphatase, biomineralization associated; plus strand). Cytogenetic location: 1p36.12.
Variant type: single nucleotide variant.
Coding change: c.880G>A on transcript NM_000478.6 (MANE Select); coding-DNA position 880, G replaced by A.
Protein change: p.Asp294Asn; replaces aspartic acid 294 with asparagine.
Molecular consequence: missense variant.
Genome position (GRCh38, 1-based): chr1:21,573,682, G>A. VCF-style: chr1-21573682-G-A. GRCh37 (hg19) VCF-style: chr1-21900175-G-A.
Other names: c.715G>A, p.Asp239Asn (NM_001127501.4); c.649G>A, p.Asp217Asn (NM_001177520.3); c.880G>A, p.Asp294Asn (NM_001369803.2, NM_001369804.2, NM_001369805.2); c.880G>A (NM_000478.5); short protein forms D239N, D217N, D294N.
Identifiers: ClinVar variation 2890088 (VCV002890088.5), dbSNP rs1553414079, ClinGen allele CA338880195.

ClinVar aggregate classification (germline): Conflicting classifications of pathogenicity. Review status: criteria provided, conflicting classifications (1 of 4 stars). 3 submissions from 3 submitters: Pathogenic (1); Uncertain significance (1). 1 of the submissions does not count toward it. Last evaluated 2026-09-01.

Conditions:
Hypophosphatasia. Also called: Phosphoethanol-aminuria. Identifiers: Orphanet 436, MedGen C0020630, MeSH D007014, MONDO:0018570.
ALPL-related disorder. Also called: ALPL-related disorders; ALPL-related condition.

Submissions (3):

Genomenon, Inc
Classification: Uncertain significance for Hypophosphatasia. Last evaluated: 2026-09-01. Review status: criteria provided, single submitter. Criteria: Genomenon Sequence Variant Interpretation Standards - Updated. Collection method: curation. Allele origin: germline. Affected: no.
Comment: ALPL p.Asp294Asn (c.880G>A) is a missense variant that changes the amino acid at codon 294 from Aspartic acid to Asparagine. This variant has been reported in the published literature (PMID:39983296). It is absent or not present at a significant frequency in gnomAD. In silico models predict that this variant is possibly or probably damaging. In conclusion, we classify ALPL p.Asp294Asn (c.880G>A) as a variant of uncertain significance.

Labcorp Genetics (formerly Invitae), Labcorp
Classification: Pathogenic. Last evaluated: 2025-11-24. Review status: criteria provided, single submitter. Criteria: Invitae Variant Classification Sherloc (09022015). Collection method: clinical testing. Allele origin: germline.
Comment: This sequence change replaces aspartic acid, which is acidic and polar, with asparagine, which is neutral and polar, at codon 294 of the ALPL protein (p.Asp294Asn). This variant is not present in population databases (gnomAD no frequency). This missense change has been observed in individual(s) with clinical features of hypophosphatasia (PMID: 39983296; internal data). In at least one individual the data is consistent with being in trans (on the opposite chromosome) from a pathogenic variant. ClinVar contains an entry for this variant (Variation ID: 2890088). Invitae Evidence Modeling of protein sequence and biophysical properties (such as structural, functional, and spatial information, amino acid conservation, physicochemical variation, residue mobility, and thermodynamic stability) indicates that this missense variant is expected to disrupt ALPL protein function with a positive predictive value of 95%. This variant disrupts the p.Asp294 amino acid residue in ALPL. Other variant(s) that disrupt this residue have been determined to be pathogenic (PMID: 1409720, 15694177, 19335222, 22397652, 25731960). This suggests that this residue is clinically significant, and that variants that disrupt this residue are likely to be disease-causing. For these reasons, this variant has been classified as Pathogenic.

PreventionGenetics, part of Exact Sciences
Classification: Uncertain significance for ALPL-related condition. Last evaluated: 2024-06-26. Review status: no assertion criteria provided. Collection method: clinical testing. Allele origin: germline. Not counted in ClinVar's aggregate classification.
Comment: The ALPL c.880G>A variant is predicted to result in the amino acid substitution p.Asp294Asn. To our knowledge, this variant has not been reported in the literature or in a large population database, indicating this variant is rare. Different variants affecting the same amino acid (p.Asp294Ala and p.Asp294Tyr) were reported in individuals with hypophosphatasia (Taillandier et al. 2001. PubMed ID: 11438998; Warren. 2021. PubMed ID: 34515659). Although we suspect that this variant may be pathogenic, at this time, the clinical significance of this variant is uncertain due to the absence of conclusive functional and genetic evidence.

Literature cited by the submitters: PubMed 39983296 (cited by Genomenon, Inc and Labcorp Genetics (formerly Invitae), Labcorp); PubMed 1409720 (cited by Labcorp Genetics (formerly Invitae), Labcorp); PubMed 15694177 (cited by Labcorp Genetics (formerly Invitae), Labcorp); PubMed 19335222 (cited by Labcorp Genetics (formerly Invitae), Labcorp); PubMed 22397652 (cited by Labcorp Genetics (formerly Invitae), Labcorp); PubMed 25731960 (cited by Labcorp Genetics (formerly Invitae), Labcorp).